The following is an entry in ClinVar:

ClinVar aggregate classification (germline): Conflicting classifications of pathogenicity. Review status: criteria provided, conflicting classifications (1 of 4 stars). 3 submissions from 3 submitters: Uncertain significance (1); Likely benign (2). Last evaluated 2024-10-29.

Conditions:
Pheochromocytoma. Also called: MAX-Related Hereditary Paraganglioma-Pheochromocytoma Syndrome. Identifiers: Orphanet 29072, MedGen C0031511, MONDO:0008233, OMIM 171300, HP:0002666.
Paragangliomas with sensorineural hearing loss. Identifiers: MedGen C1868633.
Cowden syndrome 3 (CWS3). Identifiers: Orphanet 201, MedGen CN166604, MONDO:0014045.
Carney-Stratakis syndrome. Also called: PARAGANGLIOMA AND GASTROINTESTINAL STROMAL TUMOR. Identifiers: Orphanet 97286, MedGen C1847319, MONDO:0011740, OMIM 606864.
Hereditary cancer-predisposing syndrome. Also called: Tumor predisposition; Neoplastic Syndromes, Hereditary; Hereditary Cancer Syndrome; Hereditary neoplastic syndrome. Identifiers: Orphanet 140162, MedGen C0027672, MeSH D009386, MONDO:0015356.

Submissions (3):

Quest Diagnostics Nichols Institute San Juan Capistrano
Classification: Uncertain significance. Last evaluated: 2024-10-29. Review status: criteria provided, single submitter. Criteria: Quest Diagnostics criteria. Collection method: clinical testing. Allele origin: unknown.
Comment: The SDHD c.381G>T (p.Gly127=) synonymous variant has not been reported in individuals with SDHD-related conditions in the published literature. It also has not been reported in large, multi-ethnic general populations (Genome Aggregation Database). Analysis of this variant using software algorithms for the prediction of the effect of nucleotide changes on splicing yielded predictions that this variant does not affect SDHD mRNA splicing. Based on the available information, we are unable to determine the clinical significance of this variant.

Labcorp Genetics (formerly Invitae), Labcorp
Classification: Likely benign for Carney-Stratakis syndrome; Paragangliomas with sensorineural hearing loss; Pheochromocytoma; Cowden syndrome 3. Last evaluated: 2024-07-09. Review status: criteria provided, single submitter. Criteria: Invitae Variant Classification Sherloc (09022015). Collection method: clinical testing. Allele origin: germline.

Ambry Genetics
Classification: Likely benign for Hereditary cancer-predisposing syndrome. Last evaluated: 2023-01-16. Review status: criteria provided, single submitter. Criteria: Ambry Variant Classification Scheme 2023. Collection method: clinical testing. Allele origin: germline.

NM_003002.4(SDHD):c.381G>T (p.Gly127=)

Gene: SDHD (succinate dehydrogenase complex subunit D; plus strand). Cytogenetic location: 11q23.1.
Variant type: single nucleotide variant.
Coding change: c.381G>T on transcript NM_003002.4 (MANE Select); coding-DNA position 381, G replaced by T.
Protein change: p.Gly127=; no amino-acid change (glycine 127 retained).
Molecular consequence: synonymous variant. On other transcripts: missense variant (1), 3 prime UTR variant (1), non-coding transcript variant (1).
Genome position (GRCh38, 1-based): chr11:112,094,871, G>T. VCF-style: chr11-112094871-G-T. GRCh37 (hg19) VCF-style: chr11-111965595-G-T.
Other names: c.236G>T, p.Gly79Val (NM_001276503.2); c.264G>T, p.Gly88= (NM_001276504.2); c.*79G>T (NM_001276506.2); c.381G>T (NM_003002.3); short protein forms G79V.
Identifiers: ClinVar variation 2082973 (VCV002082973.7), dbSNP rs2498917467, ClinGen allele CA382619102.